The following is an entry in ClinVar:

NM_001369.3(DNAH5):c.3443G>A (p.Trp1148Ter)

Genes: DNAH5 (dynein axonemal heavy chain 5; minus strand), DNAH5-AS1 (DNAH5 antisense RNA 1; plus strand). Cytogenetic location: 5p15.2.
Variant type: single nucleotide variant.
Coding change: c.3443G>A on transcript NM_001369.3 (MANE Select); coding-DNA position 3443, G replaced by A.
Protein change: p.Trp1148Ter; replaces tryptophan 1148 with a stop codon.
Molecular consequence: nonsense.
Genome position (GRCh38, 1-based): chr5:13,871,719, C>T on the plus strand (G>A on the coding strand, the complement: DNAH5 is on the minus strand). VCF-style: chr5-13871719-C-T. GRCh37 (hg19) VCF-style: chr5-13871828-C-T.
Other names: short protein forms W1148*.
Identifiers: ClinVar variation 1458706 (VCV001458706.14), dbSNP rs1007367534, ClinGen allele CA113982205.
Genomic context (GRCh38, chr5:13,871,719, plus strand): 5'-TCAGAAAGCAAGGGGCTCTGTGTAATAAATGTCTTAATGGCTTCTTCTTTTCCCTTTTGC[C>T]AAATGTGATTGTAGCGTTTGAAGCAATCCATGGATGTAATAACTTCCTGAATGCAAATAA-3'

ClinVar aggregate classification (germline): Pathogenic (1 of 4 stars; one submission).

Conditions:
Primary ciliary dyskinesia. Also called: Ciliary dyskinesia. Identifiers: Orphanet 244, MedGen C0008780, MONDO:0016575, HP:0012265.

Submission:

Labcorp Genetics (formerly Invitae), Labcorp
Classification: Pathogenic for Primary ciliary dyskinesia. Last evaluated: 2021-01-11. Review status: criteria provided, single submitter. Criteria: Invitae Variant Classification Sherloc (09022015). Collection method: clinical testing. Allele origin: germline.
Comment: For these reasons, this variant has been classified as Pathogenic. This sequence change creates a premature translational stop signal (p.Trp1148*) in the DNAH5 gene. It is expected to result in an absent or disrupted protein product. Loss-of-function variants in DNAH5 are known to be pathogenic (PMID: 11788826, 16627867). This variant is not present in population databases (ExAC no frequency). This variant has not been reported in the literature in individuals with DNAH5-related conditions. Algorithms developed to predict the effect of sequence changes on RNA splicing suggest that this variant may create or strengthen a splice site, but this prediction has not been confirmed by published transcriptional studies.

Literature cited by the submitters: PubMed 11788826; PubMed 16627867.